The following is an entry in ClinVar:

NM_016239.4(MYO15A):c.2790C>G (p.Asp930Glu)

Gene: MYO15A (myosin XVA; plus strand). Cytogenetic location: 17p11.2.
Variant type: single nucleotide variant.
Coding change: c.2790C>G on transcript NM_016239.4 (MANE Select); coding-DNA position 2790, C replaced by G.
Protein change: p.Asp930Glu; replaces aspartic acid 930 with glutamic acid.
Molecular consequence: missense variant.
Genome position (GRCh38, 1-based): chr17:18,121,590, C>G. VCF-style: chr17-18121590-C-G. GRCh37 (hg19) VCF-style: chr17-18024904-C-G.
Other names: short protein forms D930E.
Identifiers: ClinVar variation 3769953 (VCV003769953.1).
Genomic context (GRCh38, chr17:18,121,590, plus strand): 5'-GCGAGAACCCGAGGACTCAGAGACGCCCTGGACTGTGCCCCCACTGGCCCCCAGCTGGGA[C>G]GTGGACATGCCTCCCACCCAACGCCCACCCTCCCCCTGGCCAGGAGGTGCAGGCAGCCGC-3'
Protein context (NP_057323.3, residues 920-940): WTVPPLAPSW[Asp930Glu]VDMPPTQRPP

ClinVar aggregate classification (germline): Uncertain significance (1 of 4 stars; one submission).

gnomAD v4.1: 2 of 1,598,702 alleles (0.00013%); highest among the groups gnomAD compares: South Asian, 0.0023%; no homozygotes.

Submission:

GeneDx
Classification: Uncertain significance. Last evaluated: 2024-09-11. Review status: criteria provided, single submitter. Criteria: GeneDx Variant Classification Process June 2021. Collection method: clinical testing. Allele origin: germline. Affected: yes.
Comment: Not observed at significant frequency in large population cohorts (gnomAD); In silico analysis indicates that this missense variant does not alter protein structure/function; Has not been previously published as pathogenic or benign to our knowledge